The following is an entry in ClinVar:

ClinVar aggregate classification (germline): Uncertain significance (1 of 4 stars; one submission).

Conditions:
Hereditary spastic paraplegia 30. Identifiers: Orphanet 101010, MedGen C5235139, MONDO:0012476.
Neuropathy, hereditary sensory, type 2C. Also called: Hereditary sensory and autonomic neuropathy type IIC; KIF1A-Related HSAN2 (HSAN2C). Identifiers: Orphanet 970, MedGen C3280168, MONDO:0013634, OMIM 614213.
Intellectual disability, autosomal dominant 9 (NESCAVS). Also called: NESCAV SYNDROME; KIF1A-Related Neurodevelopmental Disorder. Identifiers: Orphanet 662367, MedGen C5393830, MONDO:0013656, OMIM 614255.

Submission:

Labcorp Genetics (formerly Invitae), Labcorp
Classification: Uncertain significance for Hereditary spastic paraplegia 30; Neuropathy, hereditary sensory, type 2C; Intellectual disability, autosomal dominant 9. Last evaluated: 2025-03-30. Review status: criteria provided, single submitter. Criteria: Invitae Variant Classification Sherloc (09022015). Collection method: clinical testing. Allele origin: germline.
Comment: This sequence change falls in intron 24 of the KIF1A gene. It does not directly change the encoded amino acid sequence of the KIF1A protein. It affects a nucleotide within the consensus splice site. This variant is present in population databases (no rsID available, gnomAD 0.01%). This variant has not been reported in the literature in individuals affected with KIF1A-related conditions. ClinVar contains an entry for this variant (Variation ID: 1405539). Variants that disrupt the consensus splice site are a relatively common cause of aberrant splicing (PMID: 17576681, 9536098). Algorithms developed to predict the effect of sequence changes on RNA splicing suggest that this variant may disrupt the consensus splice site. In summary, the available evidence is currently insufficient to determine the role of this variant in disease. Therefore, it has been classified as a Variant of Uncertain Significance.

Literature cited by the submitters: PubMed 17576681; PubMed 9536098.

NM_001244008.2(KIF1A):c.2582+5del

Gene: KIF1A (kinesin family member 1A; minus strand). Cytogenetic location: 2q37.3.
Variant type: Deletion.
Coding change: c.2582+5del on transcript NM_001244008.2 (MANE Select); 5 bases into the intron after coding-DNA position 2582, one base deleted (G; older notation c.2582+5delG).
Molecular consequence: intron variant.
Genome position (GRCh38, 1-based): chr2:240,758,355, C deleted on the plus strand (G on the coding strand, the reverse complement: KIF1A is on the minus strand); the first of 3 consecutive C bases (chr2:240,758,355-240,758,357); deleting any one gives the same sequence. VCF-style (leftmost placement, unchanged base first): chr2-240758354-GC-G. GRCh37 (hg19) VCF-style: chr2-241697771-GC-G.
Other names: c.2555+5del (NM_001379653.1, NM_001379650.1, NM_001379645.1 and 10 more transcripts); c.2657+5del (NM_001379635.1, NM_001330290.2, NM_001379646.1 and 2 more transcripts); c.2630+5del (NM_001379637.1, NM_001379648.1); c.2582+5del (NM_001320705.2, NM_001379638.1, NM_001330289.2).
Identifiers: ClinVar variation 1405539 (VCV001405539.6), dbSNP rs1245211774, ClinGen allele CA540551992.